The following is an entry in ClinVar:

NM_002972.4(SBF1):c.5110G>A (p.Val1704Met)

Gene: SBF1 (SET binding factor 1; minus strand). Cytogenetic location: 22q13.33.
Variant type: single nucleotide variant.
Coding change: c.5110G>A on transcript NM_002972.4 (MANE Select); coding-DNA position 5110, G replaced by A.
Protein change: p.Val1704Met; replaces valine 1704 with methionine.
Molecular consequence: missense variant.
Genome position (GRCh38, 1-based): chr22:50,448,584, C>T on the plus strand (G>A on the coding strand, the complement: SBF1 is on the minus strand). VCF-style: chr22-50448584-C-T. GRCh37 (hg19) VCF-style: chr22-50887013-C-T.
Other names: p.Val1704Met; c.5110G>A (NM_002972.2); c.5035G>A, p.Val1679Met (NM_001365819.1); short protein forms V1679M, V1704M.
Identifiers: ClinVar variation 1669782 (VCV001669782.11), dbSNP rs760339634, ClinGen allele CA10315989.

ClinVar aggregate classification (germline): Conflicting classifications of pathogenicity. Review status: criteria provided, conflicting classifications (1 of 4 stars). 4 submissions from 4 submitters: Uncertain significance (1); Likely benign (3). Last evaluated 2025-04-30.

Allele frequency attached by ClinVar (database versions not stated): gnomAD 0.00007; ExAC 0.00024; TOPMed 0.00013; gnomAD exomes 0.00014 and 0.00029.
gnomAD v4.1: 99 of 1,612,168 alleles (0.0061%); highest among the groups gnomAD compares: Admixed American, 0.16%; 1 homozygote.

Submissions (4):

Mayo Clinic Laboratories, Mayo Clinic
Classification: Likely benign. Last evaluated: 2025-04-30. Review status: criteria provided, single submitter. Criteria: ACMG Guidelines, 2015. Collection method: clinical testing. Allele origin: germline. Observed: 1 variant allele.
Comment: BS1, BP4_moderate

Labcorp Genetics (formerly Invitae), Labcorp
Classification: Likely benign. Last evaluated: 2025-03-01. Review status: criteria provided, single submitter. Criteria: Invitae Variant Classification Sherloc (09022015). Collection method: clinical testing. Allele origin: germline.

Ambry Genetics
Classification: Uncertain significance. Last evaluated: 2022-01-04. Review status: criteria provided, single submitter. Criteria: Ambry Variant Classification Scheme 2023. Collection method: clinical testing. Allele origin: germline.

Breakthrough Genomics
Classification: Likely benign. Review status: criteria provided, single submitter. Criteria: ACMG Guidelines, 2015. Collection method: not provided. Allele origin: germline. Inheritance: Autosomal recessive inheritance. Affected: yes.